The following is an entry in ClinVar:

ClinVar aggregate classification (germline): Uncertain significance (1 of 4 stars; one submission).

Conditions:
Charcot-Marie-Tooth disease type 2. Also called: Charcot-Marie-Tooth type 2. Identifiers: Orphanet 64746, MedGen C0270914, MONDO:0018993.

Submission:

Labcorp Genetics (formerly Invitae), Labcorp
Classification: Uncertain significance for Charcot-Marie-Tooth disease type 2. Last evaluated: 2022-10-26. Review status: criteria provided, single submitter. Criteria: Invitae Variant Classification Sherloc (09022015). Collection method: clinical testing. Allele origin: germline.
Comment: This sequence change replaces leucine, which is neutral and non-polar, with glutamine, which is neutral and polar, at codon 450 of the AARS protein (p.Leu450Gln). This variant is not present in population databases (gnomAD no frequency). This variant has not been reported in the literature in individuals affected with AARS-related conditions. Algorithms developed to predict the effect of missense changes on protein structure and function are either unavailable or do not agree on the potential impact of this missense change (SIFT: "Deleterious"; PolyPhen-2: "Possibly Damaging"; Align-GVGD: "Class C0"). Algorithms developed to predict the effect of sequence changes on RNA splicing suggest that this variant may create or strengthen a splice site. In summary, the available evidence is currently insufficient to determine the role of this variant in disease. Therefore, it has been classified as a Variant of Uncertain Significance.

NM_001605.3(AARS1):c.1349T>A (p.Leu450Gln)

Gene: AARS1 (alanyl-tRNA synthetase 1; minus strand). Cytogenetic location: 16q22.1.
Variant type: single nucleotide variant.
Coding change: c.1349T>A on transcript NM_001605.3 (MANE Select); coding-DNA position 1349, T replaced by A.
Protein change: p.Leu450Gln; replaces leucine 450 with glutamine.
Molecular consequence: missense variant.
Genome position (GRCh38, 1-based): chr16:70,265,101, A>T on the plus strand (T>A on the coding strand, the complement: AARS1 is on the minus strand). VCF-style: chr16-70265101-A-T. GRCh37 (hg19) VCF-style: chr16-70299004-A-T.
Other names: short protein forms L450Q.
Identifiers: ClinVar variation 2053383 (VCV002053383.4), dbSNP rs2507008539, ClinGen allele CA396561641.